The following is an entry in ClinVar:

NM_015631.6(TCTN3):c.181C>A (p.Pro61Thr)

Genes: TCTN3 (tectonic family member 3; minus strand), LOC130004408 (ATAC-STARR-seq lymphoblastoid active region 3801; plus strand). Cytogenetic location: 10q24.1.
Variant type: single nucleotide variant.
Coding change: c.181C>A on transcript NM_015631.6 (MANE Select); coding-DNA position 181, C replaced by A.
Protein change: p.Pro61Thr; replaces proline 61 with threonine.
Molecular consequence: missense variant.
Genome position (GRCh38, 1-based): chr10:95,693,719, G>T on the plus strand (C>A on the coding strand, the complement: TCTN3 is on the minus strand). VCF-style: chr10-95693719-G-T. GRCh37 (hg19) VCF-style: chr10-97453476-G-T.
Other names: c.181C>A (NM_015631.5); c.181C>A, p.Pro61Thr (NM_001143973.2); short protein forms P61T.
Identifiers: ClinVar variation 1357692 (VCV001357692.7), dbSNP rs999127884, ClinGen allele CA211808455.

ClinVar aggregate classification (germline): Uncertain significance. Review status: criteria provided, multiple submitters, no conflicts (2 of 4 stars). 2 submissions from 2 submitters: Uncertain significance (2). Last evaluated 2023-06-29.

Conditions:
Joubert syndrome 18 (JBTS18). Identifiers: Orphanet 2754, MedGen C3553758, MONDO:0013896, OMIM 614815.
Orofacial-digital syndrome IV (OFD4). Also called: BARAITSER-BURN SYNDROME; MOHR-MAJEWSKI SYNDROME; OFD SYNDROME WITH TIBIAL DEFECTS; OFD SYNDROME, BARAITSER-BURN TYPE; OFDS IV; ORAL-FACIAL-DIGITAL SYNDROME, TYPE IV. Identifiers: Orphanet 2753, MedGen C0406727, MONDO:0009794, OMIM 258860.
Inborn genetic diseases. Identifiers: MedGen C0950123, MeSH D030342.

Allele frequency attached by ClinVar (database versions not stated): gnomAD 0.00001; gnomAD exomes 0.00003 and 0.00006; TOPMed 0.00003.
gnomAD v4.1: 47 of 1,551,582 alleles (0.003%); highest among the groups gnomAD compares: South Asian, 0.0059%; 1 homozygote.

Submissions (2):

Ambry Genetics
Classification: Uncertain significance for Inborn genetic diseases. Last evaluated: 2023-06-29. Review status: criteria provided, single submitter. Criteria: Ambry Variant Classification Scheme 2023. Collection method: clinical testing. Allele origin: germline.

Labcorp Genetics (formerly Invitae), Labcorp
Classification: Uncertain significance for Joubert syndrome 18; Orofacial-digital syndrome IV. Last evaluated: 2022-06-14. Review status: criteria provided, single submitter. Criteria: Invitae Variant Classification Sherloc (09022015). Collection method: clinical testing. Allele origin: germline.
Comment: This sequence change replaces proline, which is neutral and non-polar, with threonine, which is neutral and polar, at codon 61 of the TCTN3 protein (p.Pro61Thr). This variant is present in population databases (no rsID available, gnomAD 0.02%), including at least one homozygous and/or hemizygous individual. This variant has not been reported in the literature in individuals affected with TCTN3-related conditions. Algorithms developed to predict the effect of missense changes on protein structure and function are either unavailable or do not agree on the potential impact of this missense change (SIFT: "Deleterious"; PolyPhen-2: "Benign"; Align-GVGD: "Class C0"). In summary, the available evidence is currently insufficient to determine the role of this variant in disease. Therefore, it has been classified as a Variant of Uncertain Significance.